The following is an entry in ClinVar:

NM_001267550.2(TTN):c.17710A>G (p.Ser5904Gly)

Gene: TTN (titin; minus strand). Cytogenetic location: 2q31.2.
Variant type: single nucleotide variant.
Coding change: c.17710A>G on transcript NM_001267550.2 (MANE Select); coding-DNA position 17710, A replaced by G.
Protein change: p.Ser5904Gly; replaces serine 5904 with glycine.
Molecular consequence: missense variant. On other transcripts: intron variant (3).
Genome position (GRCh38, 1-based): chr2:178,730,955, T>C on the plus strand (A>G on the coding strand, the complement: TTN is on the minus strand). VCF-style: chr2-178730955-T-C. GRCh37 (hg19) VCF-style: chr2-179595682-T-C.
Other names: c.16759A>G, p.Ser5587Gly (NM_001256850.1); c.13978A>G, p.Ser4660Gly (NM_133378.4); c.13282+7127A>G (NM_003319.4); c.13858+7127A>G (NM_133437.4); c.13657+7127A>G (NM_133432.3); short protein forms S4660G, S5587G, S5904G.
Identifiers: ClinVar variation 4974619 (VCV004974619.2).

ClinVar aggregate classification (germline): Uncertain significance. Review status: criteria provided, multiple submitters, no conflicts (2 of 4 stars). 2 submissions from 2 submitters: Uncertain significance (2). Last evaluated 2026-05-18.

Conditions:
Dilated cardiomyopathy 1G (CMD1G). Identifiers: Orphanet 154, MedGen C1858763, MONDO:0011400, OMIM 604145.
TTN-related disorder. Also called: TTN-related disorders; TTN-related condition; TTN-related disease.

gnomAD v4.1: 8 of 1,610,046 alleles (0.0005%); highest among the groups gnomAD compares: African/African-American, 0.0094%; no homozygotes.

Submissions (2):

PreventionGenetics, part of Exact Sciences
Classification: Uncertain significance for TTN-related condition. Last evaluated: 2026-05-18. Review status: criteria provided, single submitter. Criteria: ACMG Guidelines, 2015. Collection method: clinical testing. Allele origin: germline.
Comment: The TTN c.17710A>G variant is predicted to result in the amino acid substitution p.Ser5904Gly. To our knowledge, this variant has not been reported in the literature. This variant is reported in 0.012% of alleles in individuals of African descent in gnomAD. At this time, the clinical significance of this variant is uncertain due to the absence of conclusive functional and genetic evidence.

Clinical Genomics Laboratory, Washington University in St. Louis
Classification: Uncertain significance for Dilated cardiomyopathy 1G. Last evaluated: 2025-10-07. Review status: criteria provided, single submitter. Criteria: ACMG Guidelines, 2015. Collection method: clinical testing. Allele origin: germline.
Comment: A TTN c.17710A>G (p.Ser5904Gly) variant was identified in a heterozygous state. This variant, to our knowledge, has not been reported in the medical literature. It is only observed on 4/278,340 alleles in the general population (gnomAD v2.1.1), indicating it is not a common variant. Computational predictors suggest that the variant does not impact TTN function. Due to limited information, and based on ACMG/AMP guidelines for variant interpretation (Richards S et al., PMID: 25741868), the clinical significance of this variant is uncertain at this time.